The following is an entry in ClinVar:

NM_001035.3(RYR2):c.3835A>T (p.Ser1279Cys)

Genes: RYR2 (ryanodine receptor 2; plus strand), LOC126806067 (BRD4-independent group 4 enhancer GRCh37_chr1:237753258-237754457; plus strand). Cytogenetic location: 1q43.
Variant type: single nucleotide variant.
Coding change: c.3835A>T on transcript NM_001035.3 (MANE Select); coding-DNA position 3835, A replaced by T.
Protein change: p.Ser1279Cys; replaces serine 1279 with cysteine.
Molecular consequence: missense variant.
Genome position (GRCh38, 1-based): chr1:237,590,667, A>T. VCF-style: chr1-237590667-A-T. GRCh37 (hg19) VCF-style: chr1-237753967-A-T.
Other names: short protein forms S1279C.
Identifiers: ClinVar variation 4751984 (VCV004751984.1).

ClinVar aggregate classification (germline): Uncertain significance. Review status: criteria provided, multiple submitters, no conflicts (2 of 4 stars). 2 submissions from 2 submitters: Uncertain significance (2). Last evaluated 2025-10-20.

Conditions:
Catecholaminergic polymorphic ventricular tachycardia 1. Also called: VENTRICULAR TACHYCARDIA, CATECHOLAMINERGIC POLYMORPHIC, 1, WITH OR WITHOUT ATRIAL DYSFUNCTION AND/OR DILATED CARDIOMYOPATHY; RYR2-Related Catecholaminergic Polymorphic Ventricular Tachycardia; VENTRICULAR TACHYCARDIA, STRESS-INDUCED POLYMORPHIC 1. Identifiers: Orphanet 3286, MedGen C1631597, MONDO:0011484, OMIM 604772.
Cardiomyopathy (CMYO). Also called: Cardiomyopathies. Identifiers: Orphanet 167848, MedGen C0878544, MONDO:0004994, HP:0001638. Inheritance: Various modes of inheritance.

gnomAD v4.1: 3 of 1,559,546 alleles (0.00019%); highest among the groups gnomAD compares: Non-Finnish European, 0.00026%; no homozygotes.

Submissions (2):

Color Diagnostics, LLC DBA Color Health
Classification: Uncertain significance for Cardiomyopathy. Last evaluated: 2025-10-20. Review status: criteria provided, single submitter. Criteria: ACMG Guidelines, 2015. Collection method: clinical testing. Allele origin: germline.
Comment: This missense variant replaces serine with cysteine at codon 1279 of the RYR2 protein. Computational prediction is inconclusive regarding the impact of this variant on protein structure and function. To our knowledge, functional studies have not been reported for this variant. This variant has not been reported in individuals affected with RYR2-related disorders in the literature. This variant has not been identified in the general population by the Genome Aggregation Database (gnomAD). The available evidence is insufficient to determine the role of this variant in disease conclusively. Therefore, this variant is classified as a Variant of Uncertain Significance.

Labcorp Genetics (formerly Invitae), Labcorp
Classification: Uncertain significance for Catecholaminergic polymorphic ventricular tachycardia 1. Last evaluated: 2025-05-07. Review status: criteria provided, single submitter. Criteria: Invitae Variant Classification Sherloc (09022015). Collection method: clinical testing. Allele origin: germline.
Comment: This sequence change replaces serine, which is neutral and polar, with cysteine, which is neutral and slightly polar, at codon 1279 of the RYR2 protein (p.Ser1279Cys). This variant is not present in population databases (gnomAD no frequency). This variant has not been reported in the literature in individuals affected with RYR2-related conditions. Invitae Evidence Modeling of protein sequence and biophysical properties (such as structural, functional, and spatial information, amino acid conservation, physicochemical variation, residue mobility, and thermodynamic stability) indicates that this missense variant is not expected to disrupt RYR2 protein function with a negative predictive value of 95%. In summary, the available evidence is currently insufficient to determine the role of this variant in disease. Therefore, it has been classified as a Variant of Uncertain Significance.